The following is an entry in ClinVar:

NM_005546.4(ITK):c.1033G>T (p.Ala345Ser)

Gene: ITK (IL2 inducible T cell kinase; plus strand). Cytogenetic location: 5q33.3.
Variant type: single nucleotide variant.
Coding change: c.1033G>T on transcript NM_005546.4 (MANE Select); coding-DNA position 1033, G replaced by T.
Protein change: p.Ala345Ser; replaces alanine 345 with serine.
Molecular consequence: missense variant.
Genome position (GRCh38, 1-based): chr5:157,241,693, G>T. VCF-style: chr5-157241693-G-T. GRCh37 (hg19) VCF-style: chr5-156668703-G-T.
Other names: short protein forms A345S.
Identifiers: ClinVar variation 1475882 (VCV001475882.8), dbSNP rs1202690965, ClinGen allele CA361959001.

ClinVar aggregate classification (germline): Uncertain significance (1 of 4 stars; one submission).

Conditions:
Lymphoproliferative syndrome 1 (LPFS1). Identifiers: Orphanet 238505, Orphanet 538963, MedGen C3552634, MONDO:0013081, OMIM 613011.

gnomAD v4.1: 1 of 1,613,892 alleles (0.000062%); highest among the groups gnomAD compares: Non-Finnish European, 0.000085%; no homozygotes.

Submission:

Labcorp Genetics (formerly Invitae), Labcorp
Classification: Uncertain significance for Lymphoproliferative syndrome 1. Last evaluated: 2022-06-20. Review status: criteria provided, single submitter. Criteria: Invitae Variant Classification Sherloc (09022015). Collection method: clinical testing. Allele origin: germline.
Comment: In summary, the available evidence is currently insufficient to determine the role of this variant in disease. Therefore, it has been classified as a Variant of Uncertain Significance. Advanced modeling of protein sequence and biophysical properties (such as structural, functional, and spatial information, amino acid conservation, physicochemical variation, residue mobility, and thermodynamic stability) performed at Invitae indicates that this missense variant is not expected to disrupt ITK protein function. This variant has not been reported in the literature in individuals affected with ITK-related conditions. This variant is not present in population databases (gnomAD no frequency). This sequence change replaces alanine, which is neutral and non-polar, with serine, which is neutral and polar, at codon 345 of the ITK protein (p.Ala345Ser).